The following is an entry in ClinVar:

ClinVar aggregate classification (germline): Uncertain significance (1 of 4 stars; one submission).

Conditions:
Hereditary cancer-predisposing syndrome. Also called: Hereditary Cancer Syndrome; Hereditary neoplastic syndrome; Neoplastic Syndromes, Hereditary; Tumor predisposition. Identifiers: Orphanet 140162, MedGen C0027672, MeSH D009386, MONDO:0015356.

Submission:

Ambry Genetics
Classification: Uncertain significance for Hereditary cancer-predisposing syndrome. Last evaluated: 2025-07-28. Review status: criteria provided, single submitter. Criteria: Ambry Variant Classification Scheme 2023. Collection method: clinical testing. Allele origin: germline.
Comment: The p.R1382W variant (also known as c.4144A>T), located in coding exon 28 of the ALK gene, results from an A to T substitution at nucleotide position 4144. The arginine at codon 1382 is replaced by tryptophan, an amino acid with dissimilar properties. This amino acid position is conserved. In addition, this alteration is predicted to be deleterious by in silico analysis. Based on the available evidence, the clinical significance of this variant remains unclear.

NM_004304.5(ALK):c.4144A>T (p.Arg1382Trp)

Gene: ALK (ALK receptor tyrosine kinase; minus strand). Cytogenetic location: 2p23.2.
Variant type: single nucleotide variant.
Coding change: c.4144A>T on transcript NM_004304.5 (MANE Select); coding-DNA position 4144, A replaced by T.
Protein change: p.Arg1382Trp; replaces arginine 1382 with tryptophan.
Molecular consequence: missense variant.
Genome position (GRCh38, 1-based): chr2:29,196,790, T>A on the plus strand (A>T on the coding strand, the complement: ALK is on the minus strand). VCF-style: chr2-29196790-T-A. GRCh37 (hg19) VCF-style: chr2-29419656-T-A.
Other names: c.940A>T, p.Arg314Trp (NM_001353765.2); short protein forms R1382W, R314W.
Identifiers: ClinVar variation 4271711 (VCV004271711.1).